The following is an entry in ClinVar:

ClinVar aggregate classification (germline): Uncertain significance (1 of 4 stars; one submission).

Conditions:
Werner syndrome (WRN). Identifiers: Orphanet 902, MedGen C0043119, MONDO:0010196, OMIM 277700.

Submission:

Labcorp Genetics (formerly Invitae), Labcorp
Classification: Uncertain significance for Werner syndrome. Last evaluated: 2022-05-11. Review status: criteria provided, single submitter. Criteria: Invitae Variant Classification Sherloc (09022015). Collection method: clinical testing. Allele origin: germline.
Comment: In summary, the available evidence is currently insufficient to determine the role of this variant in disease. Therefore, it has been classified as a Variant of Uncertain Significance. Algorithms developed to predict the effect of missense changes on protein structure and function are either unavailable or do not agree on the potential impact of this missense change (SIFT: "Not Available"; PolyPhen-2: "Possibly Damaging"; Align-GVGD: "Not Available"). This variant has not been reported in the literature in individuals affected with WRN-related conditions. This variant is not present in population databases (gnomAD no frequency). This sequence change replaces leucine, which is neutral and non-polar, with phenylalanine, which is neutral and non-polar, at codon 914 of the WRN protein (p.Leu914Phe).

NM_000553.6(WRN):c.2742G>T (p.Leu914Phe)

Gene: WRN (WRN RecQ like helicase; plus strand). Cytogenetic location: 8p12.
Variant type: single nucleotide variant.
Coding change: c.2742G>T on transcript NM_000553.6 (MANE Select); coding-DNA position 2742, G replaced by T.
Protein change: p.Leu914Phe; replaces leucine 914 with phenylalanine.
Molecular consequence: missense variant.
Genome position (GRCh38, 1-based): chr8:31,124,917, G>T. VCF-style: chr8-31124917-G-T. GRCh37 (hg19) VCF-style: chr8-30982433-G-T.
Other names: short protein forms L914F.
Identifiers: ClinVar variation 2191084 (VCV002191084.4), dbSNP rs1554529230, ClinGen allele CA370917284.